The following is an entry in ClinVar:

NM_020778.5(ALPK3):c.4499+9G>A

Gene: ALPK3 (alpha kinase 3; plus strand). Cytogenetic location: 15q25.3.
Variant type: single nucleotide variant.
Coding change: c.4499+9G>A on transcript NM_020778.5 (MANE Select); 9 bases into the intron after coding-DNA position 4499, G replaced by A.
Molecular consequence: intron variant.
Genome position (GRCh38, 1-based): chr15:84,863,649, G>A. VCF-style: chr15-84863649-G-A. GRCh37 (hg19) VCF-style: chr15-85406880-G-A.
Other names: p.?; c.5105+9G>A (NM_020778.4).
Identifiers: ClinVar variation 2889227 (VCV002889227.8), dbSNP rs763424460, ClinGen allele CA7709991.
Genomic context (GRCh38, chr15:84,863,649, plus strand): 5'-AAATCTTCGCAGCAGAAGCCCGGGCCGCGCCTGGCTTTGGGGAGGTGCCTGAGTAAGTAC[G>A]CAGCGAGGAGGACGTGCAGTGTGCAGCACTGTTGCCTTGGGCTTCTGCAAAGACAGTGAT-3'

ClinVar aggregate classification (germline): Likely benign. Review status: criteria provided, multiple submitters, no conflicts (2 of 4 stars). 5 submissions from 5 submitters: Likely benign (4). 1 of the submissions does not count toward it. Last evaluated 2026-03-27.

Conditions:
ALPK3-related disorder. Also called: ALPK3-related condition.

gnomAD v4.1: 31 of 1,613,030 alleles (0.0019%); highest among the groups gnomAD compares: East Asian, 0.0089%; no homozygotes.

Submissions (5):

Molecular Diagnostic Laboratory for Inherited Cardiovascular Disease, Montreal Heart Institute
Classification: Likely benign. Last evaluated: 2026-03-27. Review status: criteria provided, single submitter. Criteria: ACMG Guidelines, 2015. Collection method: clinical testing. Allele origin: germline. Affected: no.

Labcorp Genetics (formerly Invitae), Labcorp
Classification: Likely benign. Last evaluated: 2026-01-11. Review status: criteria provided, single submitter. Criteria: Invitae Variant Classification Sherloc (09022015). Collection method: clinical testing. Allele origin: germline.

Mayo Clinic Laboratories, Mayo Clinic
Classification: Likely benign. Last evaluated: 2025-04-29. Review status: criteria provided, single submitter. Criteria: ACMG Guidelines, 2015. Collection method: clinical testing. Allele origin: germline. Observed: 1 variant allele.
Comment: BP4, BP7

Blueprint Genetics
Classification: Likely benign. Last evaluated: 2024-11-13. Review status: criteria provided, single submitter. Criteria: ACMG Guidelines, 2015. Collection method: clinical testing. Allele origin: germline.

PreventionGenetics, part of Exact Sciences
Classification: Likely benign for ALPK3-related condition. Last evaluated: 2022-05-11. Review status: no assertion criteria provided. Collection method: clinical testing. Allele origin: germline. Not counted in ClinVar's aggregate classification.
Comment: This variant is classified as likely benign based on ACMG/AMP sequence variant interpretation guidelines (Richards et al. 2015 PMID: 25741868, with internal and published modifications).